The following is an entry in ClinVar:

NC_000005.10:g.112707398A>C

Gene: APC (APC regulator of Wnt signaling pathway; plus strand). Cytogenetic location: 5q22.2.
Variant type: single nucleotide variant.
Genome position: GRCh38 VCF-style: chr5-112707398-A-C. GRCh37 (hg19) VCF-style: chr5-112043095-A-C.
Identifiers: ClinVar variation 1523375 (VCV001523375.6), dbSNP rs1393524919, ClinGen allele CA802056858.

ClinVar aggregate classification (germline): Uncertain significance (1 of 4 stars; one submission).

Conditions:
Familial adenomatous polyposis 1 (FAP1). Also called: FAMILIAL ADENOMATOUS POLYPOSIS 1, ATTENUATED; POLYPOSIS, ADENOMATOUS INTESTINAL. Identifiers: MedGen C2713442, MONDO:0021056, OMIM 175100. Disease mechanism: loss of function.

Allele frequency attached by ClinVar (database versions not stated): TOPMed below 0.00001.

Submission:

Labcorp Genetics (formerly Invitae), Labcorp
Classification: Uncertain significance for Familial adenomatous polyposis 1. Last evaluated: 2024-08-31. Review status: criteria provided, single submitter. Criteria: Invitae Variant Classification Sherloc (09022015). Collection method: clinical testing. Allele origin: germline.
Comment: This variant occurs in a non-coding region of the APC gene. It does not change the encoded amino acid sequence of the APC protein. This variant is not present in population databases (gnomAD no frequency). This variant has not been reported in the literature in individuals affected with APC-related conditions. Experimental studies and prediction algorithms are not available or were not evaluated, and the functional significance of this variant is currently unknown. In summary, the available evidence is currently insufficient to determine the role of this variant in disease. Therefore, it has been classified as a Variant of Uncertain Significance.